The following is an entry in ClinVar:

ClinVar aggregate classification (germline): Likely benign (1 of 4 stars; one submission).

Conditions:
NF1-related disorder. Also called: NF1-related condition. Identifiers: MedGen CN379171.

Submission:

PreventionGenetics, part of Exact Sciences
Classification: Likely benign for NF1-related condition. Last evaluated: 2025-09-26. Review status: criteria provided, single submitter. Criteria: ACMG Guidelines, 2015. Collection method: clinical testing. Allele origin: germline.
Comment: This variant is classified as likely benign based on ACMG/AMP sequence variant interpretation guidelines (Richards et al. 2015 PMID: 25741868, with internal and published modifications).

NM_001042492.3(NF1):c.7190-22T>C

Gene: NF1 (neurofibromin 1; plus strand). Cytogenetic location: 17q11.2.
Variant type: single nucleotide variant.
Coding change: c.7190-22T>C on transcript NM_001042492.3 (MANE Select); 22 bases into the intron before coding-DNA position 7190, T replaced by C.
Molecular consequence: intron variant.
Genome position (GRCh38, 1-based): chr17:31,349,098, T>C. VCF-style: chr17-31349098-T-C. GRCh37 (hg19) VCF-style: chr17-29676116-T-C.
Other names: c.7127-22T>C (NM_000267.4).
Identifiers: ClinVar variation 4990262 (VCV004990262.1).